The following is an entry in ClinVar:

ClinVar aggregate classification (germline): Pathogenic (1 of 4 stars; one submission).

Conditions:
Polycystic kidney disease, adult type (PKD1). Also called: Polycystic Kidney Disease 1, Autosomal Dominant; Polycystic kidney disease 1; Polycystic kidney disease 1, severe; POLYCYSTIC KIDNEY DISEASE, ADULT, TYPE I; Polycystic Kidney, Autosomal Dominant; POLYCYSTIC KIDNEY DISEASE 1 WITH OR WITHOUT POLYCYSTIC LIVER DISEASE. Identifiers: MedGen C3149841, MONDO:0008263, OMIM 173900.

Submission:

Victorian Clinical Genetics Services, Murdoch Childrens Research Institute
Classification: Pathogenic for Polycystic kidney disease, adult type. Last evaluated: 2026-07-08. Review status: criteria provided, single submitter. Criteria: ACMG Guidelines, 2015. Collection method: clinical testing. Allele origin: germline. Affected: yes.
Comment: This variant is classified as Pathogenic. Evidence in support of pathogenic classification: Canonical splice site variant without proven consequence on splicing (no functional evidence available); Variant is absent from gnomAD (v2, v3 and v4); This variant has limited previous evidence of pathogenicity in unrelated individual(s). This variant has been reported in the literature in two individuals with polycystic kidney disease (PMID: 32457805, PMID: 27499327); Another canonical splice variant(s) comparable to the one identified in this case has limited previous evidence for pathogenicity. c.9713-1G>A has been reported in two individuals with polycystic kidney disease or chronic kidney disease (PMID: 33226606, PMID: 32457805); Abnormal splicing is predicted by in silico tool and affected nucleotide is highly conserved. Additional information: This variant is heterozygous; This gene is associated with autosomal dominant disease. Polycystic kidney disease 1 (MIM#173900) is predominantly caused by monoallelic variants, with rare reports of biallelic variants causing disease (OMIM); No published evidence of segregation with disease has been identified for this variant; No published functional evidence has been identified for this variant; Loss of function is a known mechanism of disease in this gene and is associated with polycystic kidney disease 1 (MIM#173900). - Inheritance information for this variant is not currently available in this individual.

Literature cited by the submitters: PubMed 32457805; PubMed 33226606; PubMed 27499327.

NM_001009944.3(PKD1):c.9713-2A>G

Gene: PKD1 (polycystin 1, transient receptor potential channel interacting; minus strand). Cytogenetic location: 16p13.3.
Variant type: single nucleotide variant.
Coding change: c.9713-2A>G on transcript NM_001009944.3 (MANE Select); the canonical splice acceptor site of the intron before coding-DNA position 9713, A replaced by G.
Molecular consequence: splice acceptor variant.
Genome position (GRCh38, 1-based): chr16:2,100,073, T>C on the plus strand (A>G on the coding strand, the complement: PKD1 is on the minus strand). VCF-style: chr16-2100073-T-C. GRCh37 (hg19) VCF-style: chr16-2150074-T-C.
Other names: c.9713-2A>G (NM_000296.4).
Identifiers: ClinVar variation 4879610 (VCV004879610.1).